The following is an entry in ClinVar:

ClinVar aggregate classification (germline): Likely benign. Review status: criteria provided, multiple submitters, no conflicts (2 of 4 stars). 5 submissions from 5 submitters: Likely benign (5). Last evaluated 2026-06-01.

Conditions:
Cardiomyopathy (CMYO). Also called: Cardiomyopathies. Identifiers: Orphanet 167848, MedGen C0878544, MONDO:0004994, HP:0001638. Inheritance: Various modes of inheritance.
Primary dilated cardiomyopathy (DCM). Also called: Dilated Cardiomyopathy. Identifiers: Orphanet 217604, MedGen C0007193, MeSH D002311, MONDO:0005021, HP:0001644. Inheritance: Various modes of inheritance.
Charcot-Marie-Tooth disease type 2. Also called: Charcot-Marie-Tooth type 2. Identifiers: Orphanet 64746, MedGen C0270914, MONDO:0018993.
Cardiovascular phenotype. Identifiers: MedGen CN230736.

gnomAD v4.1: 1 of 1,612,302 alleles (0.000062%); highest among the groups gnomAD compares: African/African-American, 0.0013%; no homozygotes.

Submissions (5):

CeGaT Center for Human Genetics Tuebingen
Classification: Likely benign. Last evaluated: 2026-06-01. Review status: criteria provided, single submitter. Criteria: CeGaT Center For Human Genetics Tuebingen Variant Classification Criteria Version 2. Collection method: clinical testing. Allele origin: germline. Affected: yes. Observed: 1 variant allele.
Comment: LMNA: BP4, BP7

Labcorp Genetics (formerly Invitae), Labcorp
Classification: Likely benign for Charcot-Marie-Tooth disease type 2. Last evaluated: 2024-08-28. Review status: criteria provided, single submitter. Criteria: Invitae Variant Classification Sherloc (09022015). Collection method: clinical testing. Allele origin: germline.

All of Us Research Program, National Institutes of Health
Classification: Likely benign for Primary dilated cardiomyopathy. Last evaluated: 2023-04-28. Review status: criteria provided, single submitter. Criteria: ACMG Guidelines, 2015. Collection method: clinical testing. Allele origin: germline. Inheritance: Autosomal dominant inheritance. Observed: 1 variant allele, 1 heterozygote.
Comment: This study involves interpretation of variants in research participants for the purpose of population health screening. Participant phenotype was not available at the time of variant classification. Additional details can be found in publication PMID: 35346344, PMCID: PMC8962531

Ambry Genetics
Classification: Likely benign for Cardiovascular phenotype. Last evaluated: 2021-10-21. Review status: criteria provided, single submitter. Criteria: Ambry Variant Classification Scheme 2023. Collection method: clinical testing. Allele origin: germline.

Color Diagnostics, LLC DBA Color Health
Classification: Likely benign for Cardiomyopathy. Last evaluated: 2019-12-16. Review status: criteria provided, single submitter. Criteria: ACMG Guidelines, 2015. Collection method: clinical testing. Allele origin: germline.

NM_170707.4(LMNA):c.1536G>A (p.Leu512=)

Gene: LMNA (lamin A/C; plus strand). Cytogenetic location: 1q22.
Variant type: single nucleotide variant.
Coding change: c.1536G>A on transcript NM_170707.4 (MANE Select); coding-DNA position 1536, G replaced by A.
Protein change: p.Leu512=; no amino-acid change (leucine 512 retained).
Molecular consequence: synonymous variant.
Genome position (GRCh38, 1-based): chr1:156,137,160, G>A. VCF-style: chr1-156137160-G-A. GRCh37 (hg19) VCF-style: chr1-156106951-G-A.
Other names: c.1200G>A, p.Leu400= (NM_001257374.3); c.1293G>A, p.Leu431= (NM_001282624.2); c.1536G>A, p.Leu512= (NM_001282625.2, NM_001282626.2, NM_005572.4 and 1 more transcripts).
Identifiers: ClinVar variation 920014 (VCV000920014.11), dbSNP rs1208359364, ClinGen allele CA421069112.